The following is an entry in ClinVar:

ClinVar aggregate classification (germline): Uncertain significance. Review status: criteria provided, multiple submitters, no conflicts (2 of 4 stars). 3 submissions from 3 submitters: Uncertain significance (3). Last evaluated 2023-06-02.

Conditions:
Cardiomyopathy (CMYO). Also called: Cardiomyopathies. Identifiers: Orphanet 167848, MedGen C0878544, MONDO:0004994, HP:0001638. Inheritance: Various modes of inheritance.
Cardiovascular phenotype. Identifiers: MedGen CN230736.
Dilated cardiomyopathy 1CC (CMD1CC). Identifiers: Orphanet 154, MedGen C2751084, MONDO:0013147, OMIM 613122.
Hypertrophic cardiomyopathy 20. Identifiers: MedGen C3151267, MONDO:0013477, OMIM 613876.

Allele frequency attached by ClinVar (database versions not stated): gnomAD exomes below 0.00001; gnomAD 0.00001; TOPMed 0.00001.

Submissions (3):

Ambry Genetics
Classification: Uncertain significance for Cardiovascular phenotype. Last evaluated: 2023-06-02. Review status: criteria provided, single submitter. Criteria: Ambry Variant Classification Scheme 2023. Collection method: clinical testing. Allele origin: germline.
Comment: The c.1664_1666delGAG variant (also known as p.R555_E556delinsK), located in coding exon 12 of the NEXN gene, results from an in-frame GAG deletion at nucleotide positions 1664 to 1666. This results in the deletion of a glutamic acid residue at codon 556 and the substitution of the arginine residue for a lysine residue at codon 555, an amino acid with highly similar properties. This amino acid region is not well conserved in available vertebrate species. In addition, this alteration is predicted to be neutral by in silico analysis (Choi Y et al. PLoS ONE. 2012; 7(10):e46688). Since supporting evidence is limited at this time, the clinical significance of this alteration remains unclear.

Labcorp Genetics (formerly Invitae), Labcorp
Classification: Uncertain significance for Dilated cardiomyopathy 1CC; Hypertrophic cardiomyopathy 20. Last evaluated: 2021-09-01. Review status: criteria provided, single submitter. Criteria: Invitae Variant Classification Sherloc (09022015). Collection method: clinical testing. Allele origin: germline.
Comment: This variant, c.1664_1666del, is a complex sequence change that results in the deletion of two amino acids (arginine glutamic acid) and insertion of one amino acid(s) in the NEXN protein (p.Arg555_Glu556delinsLys). This variant is not present in population databases (ExAC no frequency). This variant has not been reported in the literature in individuals affected with NEXN-related conditions. Experimental studies and prediction algorithms are not available or were not evaluated, and the functional significance of this variant is currently unknown. In summary, the available evidence is currently insufficient to determine the role of this variant in disease. Therefore, it has been classified as a Variant of Uncertain Significance.

CHEO Genetics Diagnostic Laboratory, Children's Hospital of Eastern Ontario
Classification: Uncertain significance for Cardiomyopathy. Last evaluated: 2017-12-05. Review status: criteria provided, single submitter. Criteria: ACMG Guidelines, 2015. Collection method: clinical testing. Allele origin: germline.

NM_144573.4(NEXN):c.1664_1666del (p.Arg555_Glu556delinsLys)

Gene: NEXN (nexilin F-actin binding protein; plus strand). Cytogenetic location: 1p31.1.
Variant type: Deletion.
Coding change: c.1664_1666del on transcript NM_144573.4 (MANE Select); coding-DNA positions 1664 to 1666, 3 bases deleted (GAG; older notation c.1664_1666delGAG).
Protein change: p.Arg555_Glu556delinsLys.
Molecular consequence: inframe indel.
Genome position (GRCh38, 1-based): chr1:77,942,465-77,942,467, GAG deleted. VCF-style (leftmost placement, unchanged base first): chr1-77942464-AGAG-A. GRCh37 (hg19) VCF-style: chr1-78408149-AGAG-A.
Other names: c.1472_1474del, p.Arg491_Glu492delinsLys (NM_001172309.2); c.1664_1666delGAG (NM_144573.3).
Identifiers: ClinVar variation 575564 (VCV000575564.9), dbSNP rs1221963637, ClinGen allele CA739059043.
Genomic context (GRCh38, chr1:77,942,464, plus strand): 5'-AATCGCTGCCCTGAAAATACTATAAATGCCAACCTGAATGCATTTATTTTAATACAGAAA[AGAG>A]AAGAGGAGGAGGAGGAAGAAGGTAGCATCATGAATGGCTCCACTGCTGAAGATGAAGAGC-3'